The following is an entry in ClinVar:

ClinVar aggregate classification (germline): Likely benign (1 of 4 stars; one submission).

Allele frequency attached by ClinVar (database versions not stated): TOPMed 0.00009; gnomAD 0.00010; gnomAD exomes 0.00017.
gnomAD v4.1: 65 of 399,256 alleles (0.016%); highest among the groups gnomAD compares: Non-Finnish European, 0.004%; no homozygotes.

Submission:

CeGaT Center for Human Genetics Tuebingen
Classification: Likely benign. Last evaluated: 2026-04-01. Review status: criteria provided, single submitter. Criteria: CeGaT Center For Human Genetics Tuebingen Variant Classification Criteria Version 2. Collection method: clinical testing. Allele origin: germline. Affected: yes. Observed: 4 variant alleles.
Comment: KCNQ1OT1: BS1

NM_000218.3(KCNQ1):c.1393+35192T>C

Genes: KCNQ1 (potassium voltage-gated channel subfamily Q member 1; plus strand), KCNQ1OT1 (KCNQ1 opposite strand/antisense transcript 1; minus strand). Cytogenetic location: 11p15.5.
Variant type: single nucleotide variant.
Coding change: c.1393+35192T>C on transcript NM_000218.3 (MANE Select); 35192 bases into the intron after coding-DNA position 1393, T replaced by C.
Molecular consequence: intron variant. On other transcripts: non-coding transcript variant (1).
Genome position (GRCh38, 1-based): chr11:2,624,046, T>C. VCF-style: chr11-2624046-T-C. GRCh37 (hg19) VCF-style: chr11-2645276-T-C.
Other names: c.1123+35192T>C (NM_001406837.1); c.1297+35192T>C (NM_001406836.1); c.853+35192T>C (NM_001406838.1); c.1012+35192T>C (NM_181798.2).
Identifiers: ClinVar variation 3026403 (VCV003026403.22), dbSNP rs1008084555, ClinGen allele CA216363739.